The following is an entry in ClinVar:

ClinVar aggregate classification (germline): Conflicting classifications of pathogenicity. Review status: criteria provided, conflicting classifications (1 of 4 stars). 2 submissions from 2 submitters: Uncertain significance (1); Likely benign (1). Last evaluated 2025-10-07.

Conditions:
POLD1-related polyposis and colorectal cancer syndrome (CRCS10). Also called: Colorectal cancer 10; COLORECTAL CANCER, SUSCEPTIBILITY TO, ON CHROMOSOME 19q; Colorectal cancer, susceptibility to, 10. Identifiers: Orphanet 220460, MedGen C2675481, MONDO:0012953, OMIM 612591.
Hereditary cancer-predisposing syndrome. Also called: Tumor predisposition; Neoplastic Syndromes, Hereditary; Hereditary Cancer Syndrome; Hereditary neoplastic syndrome. Identifiers: Orphanet 140162, MedGen C0027672, MeSH D009386, MONDO:0015356.

Allele frequency attached by ClinVar (database versions not stated): TOPMed below 0.00001.
gnomAD v4.1: 17 of 1,555,368 alleles (0.0011%); highest among the groups gnomAD compares: South Asian, 0.014%; no homozygotes.

Submissions (2):

Labcorp Genetics (formerly Invitae), Labcorp
Classification: Likely benign for POLD1-related polyposis and colorectal cancer syndrome. Last evaluated: 2025-10-07. Review status: criteria provided, single submitter. Criteria: Invitae Variant Classification Sherloc (09022015). Collection method: clinical testing. Allele origin: germline.

Ambry Genetics
Classification: Uncertain significance for Hereditary cancer-predisposing syndrome. Last evaluated: 2025-04-22. Review status: criteria provided, single submitter. Criteria: Ambry Variant Classification Scheme 2023. Collection method: clinical testing. Allele origin: germline.
Comment: The c.971-5C>G intronic variant results from a C to G substitution 5 nucleotides upstream from coding exon 8 in the POLD1 gene. This nucleotide position is not well conserved in available vertebrate species. In silico splice site analysis for this alteration is inconclusive. Based on the available evidence, the clinical significance of this variant remains unclear.

NM_002691.4(POLD1):c.971-5C>G

Gene: POLD1 (DNA polymerase delta 1, catalytic subunit; plus strand). Cytogenetic location: 19q13.33.
Variant type: single nucleotide variant.
Coding change: c.971-5C>G on transcript NM_002691.4 (MANE Select); 5 bases into the intron before coding-DNA position 971, C replaced by G.
Molecular consequence: intron variant.
Genome position (GRCh38, 1-based): chr19:50,403,048, C>G. VCF-style: chr19-50403048-C-G. GRCh37 (hg19) VCF-style: chr19-50906305-C-G.
Other names: c.971-5C>G (NM_001256849.1, NM_001308632.1, LRG_785t2 and 1 more transcripts).
Identifiers: ClinVar variation 537153 (VCV000537153.25), dbSNP rs778993986, ClinGen allele CA9595995.
Genomic context (GRCh38, chr19:50,403,048, plus strand): 5'-CAGCCTCCCTGCTGTGTTGGGAGTGAGGGGCAGGAGTCAGGCCCCTGCATCCTCCTGCCT[C>G]GCAGGCATCTTCCCTGAGCCTGAGCGGGACCCTGTCATCCAGATCTGCTCGCTGGGCCTG-3'